The following is an entry in ClinVar:

ClinVar aggregate classification (germline): Uncertain significance (1 of 4 stars; one submission).

Submission:

Ambry Genetics
Classification: Uncertain significance. Last evaluated: 2025-10-07. Review status: criteria provided, single submitter. Criteria: Ambry Variant Classification Scheme 2023. Collection method: clinical testing. Allele origin: germline.
Comment: The p.N183Y variant (also known as c.547A>T), located in coding exon 5 of the RINT1 gene, results from an A to T substitution at nucleotide position 547. The asparagine at codon 183 is replaced by tyrosine, an amino acid with dissimilar properties. This amino acid position is conserved. In addition, this alteration is predicted to be tolerated by in silico analysis. Based on the available evidence, the clinical significance of this variant remains unclear.

NM_021930.6(RINT1):c.547A>T (p.Asn183Tyr)

Gene: RINT1 (RAD50 interactor 1; plus strand). Cytogenetic location: 7q22.3.
Variant type: single nucleotide variant.
Coding change: c.547A>T on transcript NM_021930.6 (MANE Select); coding-DNA position 547, A replaced by T.
Protein change: p.Asn183Tyr; replaces asparagine 183 with tyrosine.
Molecular consequence: missense variant. On other transcripts: 5 prime UTR variant (2), non-coding transcript variant (1), intron variant (1).
Genome position (GRCh38, 1-based): chr7:105,546,941, A>T. VCF-style: chr7-105546941-A-T. GRCh37 (hg19) VCF-style: chr7-105187388-A-T.
Other names: c.313A>T, p.Asn105Tyr (NM_001346599.2); c.-473A>T (NM_001346600.2); c.-376A>T (NM_001346601.2); c.-27-3114A>T (NM_001346603.2); short protein forms N183Y, N105Y.
Identifiers: ClinVar variation 4578211 (VCV004578211.1).